The following is an entry in ClinVar:

ClinVar aggregate classification (germline): Uncertain significance. Review status: criteria provided, multiple submitters, no conflicts (2 of 4 stars). 3 submissions from 3 submitters: Uncertain significance (3). Last evaluated 2024-01-04.

Conditions:
Severe combined immunodeficiency due to DNA-PKcs deficiency. Also called: Immunodeficiency 26 with or without neurologic abnormalities; IMMUNODEFICIENCY 26 WITH NEUROLOGIC ABNORMALITIES. Identifiers: Orphanet 317425, MedGen C4014833, MONDO:0014423, OMIM 615966.

Allele frequency attached by ClinVar (database versions not stated): gnomAD 0.00011; TOPMed 0.00020; gnomAD exomes 0.00023 and 0.00030; ExAC 0.00026; ESP Exome Variant Server 0.00032.
gnomAD v4.1: 453 of 1,611,566 alleles (0.028%); highest among the groups gnomAD compares: Non-Finnish European, 0.033%; no homozygotes.

Submissions (3):

Blueprint Genetics
Classification: Uncertain significance. Last evaluated: 2024-01-04. Review status: criteria provided, single submitter. Criteria: ACMG Guidelines, 2015. Collection method: clinical testing. Allele origin: germline.

Labcorp Genetics (formerly Invitae), Labcorp
Classification: Uncertain significance for Severe combined immunodeficiency due to DNA-PKcs deficiency. Last evaluated: 2022-08-23. Review status: criteria provided, single submitter. Criteria: Invitae Variant Classification Sherloc (09022015). Collection method: clinical testing. Allele origin: germline.
Comment: This sequence change replaces leucine, which is neutral and non-polar, with proline, which is neutral and non-polar, at codon 3997 of the PRKDC protein (p.Leu3997Pro). This variant is present in population databases (rs201883689, gnomAD 0.2%). This variant has not been reported in the literature in individuals affected with PRKDC-related conditions. ClinVar contains an entry for this variant (Variation ID: 838947). In summary, the available evidence is currently insufficient to determine the role of this variant in disease. Therefore, it has been classified as a Variant of Uncertain Significance.

Baylor Genetics
Classification: Uncertain significance for Severe combined immunodeficiency due to DNA-PKcs deficiency. Last evaluated: 2018-03-01. Review status: criteria provided, single submitter. Criteria: ACMG Guidelines, 2015. Collection method: clinical testing. Allele origin: unknown. Affected: yes.
Comment: This variant was determined to be of uncertain significance according to ACMG Guidelines, 2015 [PMID:25741868].

NM_006904.7(PRKDC):c.11990T>C (p.Leu3997Pro)

Gene: PRKDC (protein kinase, DNA-activated, catalytic subunit; minus strand). Cytogenetic location: 8q11.21.
Variant type: single nucleotide variant.
Coding change: c.11990T>C on transcript NM_006904.7 (MANE Select); coding-DNA position 11990, T replaced by C.
Protein change: p.Leu3997Pro; replaces leucine 3997 with proline.
Molecular consequence: missense variant.
Genome position (GRCh38, 1-based): chr8:47,777,738, A>G on the plus strand (T>C on the coding strand, the complement: PRKDC is on the minus strand). VCF-style: chr8-47777738-A-G. GRCh37 (hg19) VCF-style: chr8-48690299-A-G.
Other names: c.11897T>C, p.Leu3966Pro (NM_001081640.2); short protein forms L3966P, L3997P.
Identifiers: ClinVar variation 838947 (VCV000838947.5), dbSNP rs201883689, ClinGen allele CA4738939.